The following is an entry in ClinVar:

ClinVar aggregate classification (germline): Likely benign. Review status: criteria provided, single submitter (1 of 4 stars). 2 submissions from 2 submitters: Likely benign (1). 1 of the submissions does not count toward it. Last evaluated 2025-11-12.

Conditions:
DMP1-related disorder. Also called: DMP1-related condition.

Allele frequency attached by ClinVar (database versions not stated): gnomAD exomes 0.00009 and 0.00028; ExAC 0.00026; gnomAD 0.00054 and 0.00055; TOPMed 0.00069; ESP Exome Variant Server 0.00077; 1000 Genomes Project 30x 0.00156; 1000 Genomes Project 0.00160.
gnomAD v4.1: 229 of 1,613,736 alleles (0.014%); highest among the groups gnomAD compares: Middle Eastern, 0.23%; 2 homozygotes.

Submissions (2):

Labcorp Genetics (formerly Invitae), Labcorp
Classification: Likely benign. Last evaluated: 2025-11-12. Review status: criteria provided, single submitter. Criteria: Invitae Variant Classification Sherloc (09022015). Collection method: clinical testing. Allele origin: germline.

PreventionGenetics, part of Exact Sciences
Classification: Likely benign for DMP1-related condition. Last evaluated: 2023-08-30. Review status: no assertion criteria provided. Collection method: clinical testing. Allele origin: germline. Not counted in ClinVar's aggregate classification.
Comment: This variant is classified as likely benign based on ACMG/AMP sequence variant interpretation guidelines (Richards et al. 2015 PMID: 25741868, with internal and published modifications).

NM_004407.4(DMP1):c.997G>A (p.Val333Ile)

Genes: DMP1-AS1 (DMP1 and DSPP antisense RNA 1; minus strand), DMP1 (dentin matrix acidic phosphoprotein 1; plus strand). Cytogenetic location: 4q22.1.
Variant type: single nucleotide variant.
Coding change: c.997G>A on transcript NM_004407.4 (MANE Select); coding-DNA position 997, G replaced by A.
Protein change: p.Val333Ile; replaces valine 333 with isoleucine.
Molecular consequence: missense variant.
Genome position (GRCh38, 1-based): chr4:87,662,775, G>A. VCF-style: chr4-87662775-G-A. GRCh37 (hg19) VCF-style: chr4-88583927-G-A.
Other names: c.949G>A, p.Val317Ile (NM_001079911.3); short protein forms V317I, V333I.
Identifiers: ClinVar variation 732589 (VCV000732589.13), dbSNP rs147275271, ClinGen allele CA3002122.
Genomic context (GRCh38, chr4:87,662,775, plus strand): 5'-AGCAAGGGTGACTCTCAAGAAGACAGCAAGGAGAATCTGTCCCAGGAAGAGAGCCAAAAC[G>A]TAGATGGTCCCAGCAGTGAGTCCAGCCAAGAGGCCAACCTGTCATCTCAAGAGAACAGCA-3'
Protein context (NP_004398.1, residues 323-343): ENLSQEESQN[Val333Ile]DGPSSESSQE